The following is an entry in ClinVar:

ClinVar aggregate classification (germline): Uncertain significance (1 of 4 stars; one submission).

Submission:

Labcorp Genetics (formerly Invitae), Labcorp
Classification: Uncertain significance. Last evaluated: 2023-03-28. Review status: criteria provided, single submitter. Criteria: Invitae Variant Classification Sherloc (09022015). Collection method: clinical testing. Allele origin: germline.
Comment: In summary, the available evidence is currently insufficient to determine the role of this variant in disease. Therefore, it has been classified as a Variant of Uncertain Significance. Experimental studies and prediction algorithms are not available or were not evaluated, and the functional significance of this variant is currently unknown. This variant has not been reported in the literature in individuals affected with KAT6A-related conditions. This variant is not present in population databases (gnomAD no frequency). This sequence change replaces methionine, which is neutral and non-polar, with leucine, which is neutral and non-polar, at codon 1968 of the KAT6A protein (p.Met1968Leu).

NM_006766.5(KAT6A):c.5902A>C (p.Met1968Leu)

Gene: KAT6A (lysine acetyltransferase 6A; minus strand). Cytogenetic location: 8p11.21.
Variant type: single nucleotide variant.
Coding change: c.5902A>C on transcript NM_006766.5 (MANE Select); coding-DNA position 5902, A replaced by C.
Protein change: p.Met1968Leu; replaces methionine 1968 with leucine.
Molecular consequence: missense variant.
Genome position (GRCh38, 1-based): chr8:41,932,318, T>G on the plus strand (A>C on the coding strand, the complement: KAT6A is on the minus strand). VCF-style: chr8-41932318-T-G. GRCh37 (hg19) VCF-style: chr8-41789836-T-G.
Other names: short protein forms M1968L.
Identifiers: ClinVar variation 2850490 (VCV002850490.3), dbSNP rs758259269, ClinGen allele CA371060064.
Genomic context (GRCh38, chr8:41,932,318, plus strand): 5'-TCATGTAGCTGTGATGGGAGGGGCCTGTGTACATCATGTTCCCATGAGGGTTAGGCTGCA[T>G]AGGCTGCTGGGTATAGGCCTGGCTCCCCATCATTCCCATCTGCATCTGCATAGGATACTG-3'
Protein context (NP_006757.2, residues 1958-1978): MGSQAYTQQP[Met1968Leu]QPNPHGNMMY